The following is an entry in ClinVar:

ClinVar aggregate classification (germline): Likely benign. Review status: criteria provided, multiple submitters, no conflicts (2 of 4 stars). 3 submissions from 3 submitters: Likely benign (3). Last evaluated 2025-08-01.

Conditions:
Cardiovascular phenotype. Identifiers: MedGen CN230736.
Progressive familial heart block type IB (PFHB1B). Identifiers: Orphanet 871, MedGen C1970298, MONDO:0011474, OMIM 604559.

Allele frequency attached by ClinVar (database versions not stated): gnomAD 0.00001; gnomAD exomes 0.00001; TOPMed 0.00003; ExAC 0.00004.
gnomAD v4.1: 22 of 1,583,400 alleles (0.0014%); highest among the groups gnomAD compares: Middle Eastern, 0.017%; no homozygotes.

Submissions (3):

CeGaT Center for Human Genetics Tuebingen
Classification: Likely benign. Last evaluated: 2025-08-01. Review status: criteria provided, single submitter. Criteria: CeGaT Center For Human Genetics Tuebingen Variant Classification Criteria Version 2. Collection method: clinical testing. Allele origin: germline. Affected: yes. Observed: 1 variant allele.
Comment: TRPM4: BP4, BP7

Ambry Genetics
Classification: Likely benign for Cardiovascular phenotype. Last evaluated: 2025-06-17. Review status: criteria provided, single submitter. Criteria: Ambry Variant Classification Scheme 2023. Collection method: clinical testing. Allele origin: germline.

Labcorp Genetics (formerly Invitae), Labcorp
Classification: Likely benign for Progressive familial heart block type IB. Last evaluated: 2023-11-28. Review status: criteria provided, single submitter. Criteria: Invitae Variant Classification Sherloc (09022015). Collection method: clinical testing. Allele origin: germline.

NM_017636.4(TRPM4):c.3627G>A (p.Leu1209=)

Gene: TRPM4 (transient receptor potential cation channel subfamily M member 4; plus strand). Cytogenetic location: 19q13.33.
Variant type: single nucleotide variant.
Coding change: c.3627G>A on transcript NM_017636.4 (MANE Select); coding-DNA position 3627, G replaced by A.
Protein change: p.Leu1209=; no amino-acid change (leucine 1209 retained).
Molecular consequence: synonymous variant.
Genome position (GRCh38, 1-based): chr19:49,211,256, G>A. VCF-style: chr19-49211256-G-A. GRCh37 (hg19) VCF-style: chr19-49714513-G-A.
Other names: c.3192G>A, p.Leu1064= (NM_001195227.2); c.3282G>A, p.Leu1094= (NM_001321281.2); c.2019G>A, p.Leu673= (NM_001321282.2); c.3105G>A, p.Leu1035= (NM_001321283.2); c.2565G>A, p.Leu855= (NM_001321285.2); c.3627G>A (NM_017636.3).
Identifiers: ClinVar variation 2144906 (VCV002144906.11), dbSNP rs761027330, ClinGen allele CA9569984.